The following is an entry in ClinVar:

ClinVar aggregate classification (germline): Uncertain significance (1 of 4 stars; one submission).

Conditions:
Familial adenomatous polyposis 1 (FAP1). Also called: FAMILIAL ADENOMATOUS POLYPOSIS 1, ATTENUATED; POLYPOSIS, ADENOMATOUS INTESTINAL. Identifiers: MedGen C2713442, MONDO:0021056, OMIM 175100. Disease mechanism: loss of function.

Submission:

Labcorp Genetics (formerly Invitae), Labcorp
Classification: Uncertain significance for Familial adenomatous polyposis 1. Last evaluated: 2024-09-23. Review status: criteria provided, single submitter. Criteria: Invitae Variant Classification Sherloc (09022015). Collection method: clinical testing. Allele origin: germline.
Comment: This variant occurs in a non-coding region of the APC gene. It does not change the encoded amino acid sequence of the APC protein. This variant is not present in population databases (gnomAD no frequency). This variant has not been reported in the literature in individuals affected with APC-related conditions. Experimental studies and prediction algorithms are not available or were not evaluated, and the functional significance of this variant is currently unknown. In summary, the available evidence is currently insufficient to determine the role of this variant in disease. Therefore, it has been classified as a Variant of Uncertain Significance.

NM_001127511.3(APC):c.72C>A (p.Ser24=)

Gene: APC (APC regulator of Wnt signaling pathway; plus strand). Cytogenetic location: 5q22.2.
Variant type: single nucleotide variant.
Coding change: c.72C>A on transcript NM_001127511.3; coding-DNA position 72, C replaced by A.
Protein change: p.Ser24=; no amino-acid change (serine 24 retained).
Molecular consequence: synonymous variant. On other transcripts: 5 prime UTR variant (8), non-coding transcript variant (1), intron variant (5).
Genome position (GRCh38, 1-based): chr5:112,707,789, C>A. VCF-style: chr5-112707789-C-A. GRCh37 (hg19) VCF-style: chr5-112043486-C-A.
Other names: c.-112C>A (NM_001354895.2, NM_001407447.1, NM_001407452.1 and 3 more transcripts); c.72C>A, p.Ser24= (NM_001354897.2, NM_001354902.2, NM_001407446.1); c.-1147C>A (NM_001407470.1, NM_001407472.1); c.-19+140C>A (NM_001407448.1, NM_001407450.1, NM_001407457.1 and 1 more transcripts); c.-43+140C>A (NM_001407453.1).
Identifiers: ClinVar variation 2815546 (VCV002815546.3), dbSNP rs2149630853, ClinGen allele CA2674863796.